The following is an entry in ClinVar:

NM_000535.7(PMS2):c.2492_2493del (p.Ile831fs)

Gene: PMS2 (PMS1 homolog 2, mismatch repair system component; minus strand). Cytogenetic location: 7p22.1.
Variant type: Deletion.
Coding change: c.2492_2493del on transcript NM_000535.7 (MANE Select); coding-DNA positions 2492 to 2493, 2 bases deleted (TC; older notation c.2492_2493delTC).
Protein change: p.Ile831fs; shifts the reading frame from isoleucine 831.
Molecular consequence: frameshift variant. On other transcripts: non-coding transcript variant (1).
Genome position (GRCh38, 1-based): chr7:5,973,495-5,973,496, GA deleted on the plus strand (TC on the coding strand, the reverse complement: PMS2 is on the minus strand). VCF-style (leftmost placement, unchanged base first): chr7-5973494-TGA-T. GRCh37 (hg19) VCF-style: chr7-6013125-TGA-T.
Other names: c.2087_2088del, p.Ile696fs (NM_001322003.2, NM_001322004.2, NM_001322005.2); c.2336_2337del, p.Ile779fs (NM_001322006.2); c.2174_2175del, p.Ile725fs (NM_001322007.2, NM_001322008.2); c.2120_2121del, p.Ile707fs (NM_001322009.2); c.1931_1932del, p.Ile644fs (NM_001322010.2); c.1559_1560del, p.Ile520fs (NM_001322011.2, NM_001322012.2); c.1919_1920del, p.Ile640fs (NM_001322013.2); c.2525_2526del, p.Ile842fs (NM_001322014.2); and 1 more; short protein forms I520fs, I640fs, I644fs, I696fs, I707fs, I725fs, I728fs, I779fs.
Identifiers: ClinVar variation 1049801 (VCV001049801.1), dbSNP rs2128658402, ClinGen allele CA2499218934.

ClinVar aggregate classification (germline): Pathogenic (0 of 4 stars; one submission).

Submission:

Department of Pathology and Laboratory Medicine, Sinai Health System
Classification: Pathogenic. Review status: no assertion criteria provided. Collection method: clinical testing. Allele origin: unknown. Affected: yes. Study: The Canadian Open Genetics Repository (COGR).
Comment: The p.Leu729Serfs*3 variant was not identified in the literature nor was identified in the GeneInsight, HGMD, COSMIC, Mut, MMR, InSiGHT Colon Cancer and ClinVar databases. No information is provided for evolutionary conservation of the residue and computational pathogenicity prediction of the variant. The p.Leu729Serfs*3 deletion variant is predicted to cause a frameshift, which alters the proteinâ€šÃ„Ã´s amino acid sequence beginning at codon 729 and leads to a premature stop codon at position 732. In summary, based on the above information this variant meets our laboratory's criteria to be classified as pathogenic.